The following is an entry in ClinVar:

ClinVar aggregate classification (germline): Pathogenic. Review status: criteria provided, multiple submitters, no conflicts (2 of 4 stars). 2 submissions from 2 submitters: Pathogenic (2). Last evaluated 2024-11-12.

Conditions:
Hereditary breast ovarian cancer syndrome. Also called: Breast and ovarian cancer; Hereditary breast and ovarian cancer; BRCA1- and BRCA2-Associated Hereditary Breast and Ovarian Cancer; Hereditary breast and ovarian cancer syndrome (HBOC); Hereditary breast and/or ovarian cancer syndrome; Hereditary breast and ovarian cancer syndrome. Identifiers: Orphanet 145, MedGen C0677776, MeSH D061325, MONDO:0003582. Disease mechanism: loss of function.
Breast-ovarian cancer, familial, susceptibility to, 2 (BROVCA2). Also called: BRCA2 Hereditary Breast and Ovarian Cancer. Identifiers: Orphanet 145, MedGen C2675520, MONDO:0012933, OMIM 612555. Disease mechanism: loss of function.

Allele frequency attached by ClinVar (database versions not stated): gnomAD exomes below 0.00001.

Submissions (2):

Myriad Genetics, Inc.
Classification: Pathogenic for Breast-ovarian cancer, familial, susceptibility to, 2. Last evaluated: 2024-11-12. Review status: criteria provided, single submitter. Criteria: Myriad Autosomal Dominant, Autosomal Recessive and X-Linked Classification Criteria (2023). Collection method: clinical testing. Allele origin: unknown.
Comment: This variant is considered pathogenic. This variant creates a frameshift predicted to result in premature protein truncation.

National Health Laboratory Service, Universitas Academic Hospital and University of the Free State
Classification: Pathogenic for Hereditary breast ovarian cancer syndrome. Last evaluated: 2021-11-16. Review status: criteria provided, single submitter. Criteria: ACMG Guidelines, 2015. Collection method: clinical testing. Allele origin: germline. Affected: yes. Observed: 1 variant allele.

Literature cited by the submitters: DOI 10.3389/fgene.2022.834265 (cited by National Health Laboratory Service, Universitas Academic Hospital and University of the Free State).

NM_000059.4(BRCA2):c.9351del (p.His3117fs)

Gene: BRCA2 (BRCA2 DNA repair associated; plus strand). Cytogenetic location: 13q13.1.
Variant type: Deletion.
Coding change: c.9351del on transcript NM_000059.4 (MANE Select); coding-DNA position 9351, one base deleted (T; older notation c.9351delT).
Protein change: p.His3117fs; shifts the reading frame from histidine 3117.
Molecular consequence: frameshift variant. On other transcripts: non-coding transcript variant (1).
Genome position (GRCh38, 1-based): chr13:32,394,783, T deleted. VCF-style (leftmost placement, unchanged base first): chr13-32394782-AT-A. GRCh37 (hg19) VCF-style: chr13-32968919-AT-A.
Other names: NP_000050.3:p.His3117GlnfsTer3; c.9255del, p.His3085fs (NM_001406719.1); c.9300del, p.His3100fs (NM_001406720.1); c.4419del, p.His1473fs (NM_001406721.1); c.2934del, p.His978fs (NM_001406722.1); c.9351del, p.His3117fs (NM_001432077.1); short protein forms H3117fs, H1473fs, H3085fs, H3100fs, H978fs.
Identifiers: ClinVar variation 1325644 (VCV001325644.2), dbSNP rs2137652993, ClinGen allele CA2573149512.